The following is an entry in ClinVar:

NM_012123.4(MTO1):c.89_90dup (p.Ala31fs)

Gene: MTO1 (mitochondrial tRNA translation optimization 1; plus strand). Cytogenetic location: 6q13.
Variant type: Microsatellite.
Coding change: c.89_90dup on transcript NM_012123.4 (MANE Select); coding-DNA positions 89 to 90, 2 bases duplicated (CG; older notation c.89_90dupCG).
Protein change: p.Ala31fs; shifts the reading frame from alanine 31.
Molecular consequence: frameshift variant.
Genome position (GRCh38, 1-based): chr6:73,461,943-73,461,944, CG duplicated; duplicating any 2 consecutive bases within chr6:73,461,940-73,461,944 gives the same sequence; the c. name uses the placement nearest the transcript's 3' end. VCF-style (leftmost placement, unchanged base first): chr6-73461939-A-AGC. GRCh37 (hg19) VCF-style: chr6-74171662-A-AGC.
Other names: c.89_90dup, p.Ala31fs (NM_001123226.2, NM_133645.3); short protein forms A31fs.
Identifiers: ClinVar variation 2431661 (VCV002431661.4), dbSNP rs1184276258, ClinGen allele CA568118335.
Genomic context (GRCh38, chr6:73,461,939, plus strand): 5'-CGTTGGGTCGCGGTTTCCTTCACCAAGCAGCAATTTCCGTTGGCACGGTTGAGCAGTGAC[A>AGC]GCGCGGCGCCCCGGACTCCGCACTTCGACGTGATAGTCATTGGTGGAGGACATGCCGGGA-3'

ClinVar aggregate classification (germline): Likely pathogenic. Review status: criteria provided, multiple submitters, no conflicts (2 of 4 stars). 2 submissions from 2 submitters: Likely pathogenic (2). Last evaluated 2025-10-17.

Conditions:
Mitochondrial hypertrophic cardiomyopathy with lactic acidosis due to MTO1 deficiency. Also called: CARDIOMYOPATHY, INFANTILE HYPERTROPHIC MITOCHONDRIAL, AND LACTIC ACIDOSIS; Combined oxidative phosphorylation deficiency 10. Identifiers: Orphanet 314637, MedGen C4749921, MONDO:0013865, OMIM 614702.

Submissions (2):

Dasa
Classification: Likely pathogenic. Last evaluated: 2025-10-17. Review status: criteria provided, single submitter. Criteria: DASA Assertion Criteria. Collection method: clinical testing. Allele origin: germline.
Comment: NM_012123.4(MTO1):c.89_90dup (p.Ala31Argfs*10) is a frameshift variant in MTO1 predicted to alter the reading frame and introduce a premature termination codon and is predicted to result in an absent or altered protein product. Loss of function is an established disease mechanism for MTO1-associated disorders. Also, this variant is rare in population databases. Based on the currently available evidence, this variant is classified as likely pathogenic.

Laboratorio de Genetica e Diagnostico Molecular, Hospital Israelita Albert Einstein
Classification: Likely pathogenic for Mitochondrial hypertrophic cardiomyopathy with lactic acidosis due to MTO1 deficiency. Last evaluated: 2022-10-29. Review status: criteria provided, single submitter. Criteria: ACMG Guidelines, 2015. Collection method: clinical testing. Allele origin: germline. Affected: yes.
Comment: ACMG classification criteria: PVS1 strong, PM2 moderated